The following is an entry in ClinVar:

ClinVar aggregate classification (germline): Uncertain significance. Review status: reviewed by expert panel (3 of 4 stars). 2 submissions from 2 submitters: Uncertain significance (1). 1 of the submissions does not count toward it. Last evaluated 2026-02-05.

Conditions:
Bernard Soulier syndrome (BSS). Also called: BLEEDING DISORDER, PLATELET-TYPE, 1; GLYCOPROTEIN Ib, PLATELET, DEFICIENCY OF; PLATELET GLYCOPROTEIN Ib DEFICIENCY; VON WILLEBRAND FACTOR RECEPTOR DEFICIENCY; Giant platelet syndrome; Hemorrhagiparous thrombocytic dystrophy. Identifiers: Orphanet 274, MedGen C0005129, MeSH D001606, MONDO:0009276, OMIM 231200.

Submissions (2):

ClinGen Platelet Disorders Variant Curation Expert Panel, ClinGen
Classification: Uncertain significance for Bernard Soulier syndrome. Last evaluated: 2026-02-05. Review status: reviewed by expert panel. Criteria: ClinGen Platelet ACMG Specifications GP1BB V1.0.0. Collection method: curation. Allele origin: germline. Inheritance: Autosomal recessive inheritance.
Comment: The c.500T>C variant in GP1BB is a missense variant predicted to cause substitution of Leucine by Proline at amino acid 167 (p.Leu167Pro). At least one patient (Patient 23 in PMID:28983057) with this variant had aggregation absent for ristocetin but aggregation in response to other agonists was not mentioned. The patient also had absent expression of GP1bb and GP9 measured by flow cytometry, which is highly specific for Bernard-Soulier syndrome. Additionally, the patient had excessive mucocutaneous bleeding and macrothrombocytopenia which are consistent with Bernard-Soulier syndrome (PP4). This phase of these variants in the patient is unknown. (0.5 PM3 points, PM3_Supporting). The computational predictor REVEL gives a score of 0.685, which is above the ClinGen PD VCEP threshold of >0.644 and predicts a damaging effect on function (PP3). This variant is absent from gnomAD v4.1.0 (PM2_Supporting). In summary, this variant meets the criteria to be classified as VUS for autosomal recessive Bernard-Soulier syndrome based on the ACMG/AMP criteria applied, as specified by the ClinGen PD VCEP: PP4, PM3_Supporting, PP3 and PM2_Supporting (VCEP specifications version 1.1).

ISTH-SSC Genomics in Thrombosis and Hemostasis, KU Leuven, Center for Molecular and Vascular Biology
Classification: Pathogenic for Bernard Soulier syndrome. Review status: criteria provided, single submitter. Criteria: ACMG Guidelines, 2015. Collection method: clinical testing. Allele origin: germline. Affected: yes. Observed: 1 compound heterozygote. Not counted in ClinVar's aggregate classification.
Comment: Submitted to GoldVariant by Jose María Bastida and José Rivera; Grupo Español de Alteraciones Plaquetarias Congénitas (GEAPC)

NM_000407.5(GP1BB):c.500T>C (p.Leu167Pro)

Genes: GP1BB (glycoprotein Ib platelet subunit beta; plus strand), SEPT5-GP1BB (SEPT5-GP1BB readthrough; plus strand). Cytogenetic location: 22q11.21.
Variant type: single nucleotide variant.
Coding change: c.500T>C on transcript NM_000407.5 (MANE Select); coding-DNA position 500, T replaced by C.
Protein change: p.Leu167Pro; replaces leucine 167 with proline.
Molecular consequence: missense variant. On other transcripts: non-coding transcript variant (2).
Genome position (GRCh38, 1-based): chr22:19,724,343, T>C. VCF-style: chr22-19724343-T-C. GRCh37 (hg19) VCF-style: chr22-19711866-T-C.
Other names: NM_000407.5(GP1BB):c.500T>C; p.Leu167Pro; short protein forms L167P.
Identifiers: ClinVar variation 1691233 (VCV001691233.4), dbSNP rs2145796556, ClinGen allele CA410677636.